The following is an entry in ClinVar:

ClinVar aggregate classification (germline): Uncertain significance (1 of 4 stars; one submission).

Conditions:
Inborn genetic diseases. Identifiers: MedGen C0950123, MeSH D030342.

Submission:

Ambry Genetics
Classification: Uncertain significance for Inborn genetic diseases. Last evaluated: 2025-01-18. Review status: criteria provided, single submitter. Criteria: Ambry Variant Classification Scheme 2023. Collection method: clinical testing. Allele origin: germline.
Comment: The p.N296H variant (also known as c.886A>C), located in coding exon 3 of the SH2B3 gene, results from an A to C substitution at nucleotide position 886. The asparagine at codon 296 is replaced by histidine, an amino acid with similar properties. This amino acid position is conserved. In addition, this alteration is predicted to be tolerated by in silico analysis. Based on the available evidence, the clinical significance of this variant remains unclear.

NM_005475.3(SH2B3):c.886A>C (p.Asn296His)

Gene: SH2B3 (SH2B adaptor protein 3; plus strand). Cytogenetic location: 12q24.12.
Variant type: single nucleotide variant.
Coding change: c.886A>C on transcript NM_005475.3 (MANE Select); coding-DNA position 886, A replaced by C.
Protein change: p.Asn296His; replaces asparagine 296 with histidine.
Molecular consequence: missense variant.
Genome position (GRCh38, 1-based): chr12:111,446,993, A>C. VCF-style: chr12-111446993-A-C. GRCh37 (hg19) VCF-style: chr12-111884797-A-C.
Other names: c.280A>C, p.Asn94His (NM_001291424.1); short protein forms N94H, N296H.
Identifiers: ClinVar variation 3795117 (VCV003795117.1).